The following is an entry in ClinVar:

NM_182919.4(TICAM1):c.680C>T (p.Pro227Leu)

Gene: TICAM1 (TIR domain containing adaptor molecule 1; minus strand). Cytogenetic location: 19p13.3.
Variant type: single nucleotide variant.
Coding change: c.680C>T on transcript NM_182919.4 (MANE Select); coding-DNA position 680, C replaced by T.
Protein change: p.Pro227Leu; replaces proline 227 with leucine.
Molecular consequence: missense variant.
Genome position (GRCh38, 1-based): chr19:4,817,698, G>A on the plus strand (C>T on the coding strand, the complement: TICAM1 is on the minus strand). VCF-style: chr19-4817698-G-A. GRCh37 (hg19) VCF-style: chr19-4817710-G-A.
Other names: c.638C>T, p.Pro213Leu (NM_001385678.1); c.545C>T, p.Pro182Leu (NM_001385679.1); c.38C>T, p.Pro13Leu (NM_001385680.1); short protein forms P13L, P182L, P213L, P227L.
Identifiers: ClinVar variation 1019147 (VCV001019147.6), dbSNP rs760097887, ClinGen allele CA9105305.
Genomic context (GRCh38, chr19:4,817,698, plus strand): 5'-CAGCCACCGGGGACAGGCTCGGGCACCAAGCTGGCCTGGGGGTCGTCACAGAGCTTGCTG[G>A]GCCCATGTGGGCTGCGGTGCAGGCTGAGGAAGGGCATGGTAGGGGACTGGCTGATTTCCA-3'
Protein context (NP_891549.1, residues 217-237): FLSLHRSPHG[Pro227Leu]SKLCDDPQAS

ClinVar aggregate classification (germline): Uncertain significance (1 of 4 stars; one submission).

Conditions:
Encephalopathy, acute, infection-induced (herpes-specific), susceptibility to, 6. Also called: Herpes simplex encephalitis, susceptibility to, 4. Identifiers: Orphanet 1930, MedGen C3553869, MONDO:0013921, OMIM 614850.

Allele frequency attached by ClinVar (database versions not stated): ExAC 0.00001; TOPMed 0.00002; gnomAD 0.00001; gnomAD exomes 0.00001.

Submission:

Labcorp Genetics (formerly Invitae), Labcorp
Classification: Uncertain significance for Encephalopathy, acute, infection-induced (herpes-specific), susceptibility to, 6. Last evaluated: 2021-08-31. Review status: criteria provided, single submitter. Criteria: Invitae Variant Classification Sherloc (09022015). Collection method: clinical testing. Allele origin: germline.
Comment: This sequence change replaces proline with leucine at codon 227 of the TICAM1 protein (p.Pro227Leu). The proline residue is moderately conserved and there is a moderate physicochemical difference between proline and leucine. This variant is present in population databases (rs760097887, ExAC 0.009%). This variant has not been reported in the literature in individuals affected with TICAM1-related conditions. Algorithms developed to predict the effect of missense changes on protein structure and function are either unavailable or do not agree on the potential impact of this missense change (SIFT: "Deleterious"; PolyPhen-2: "Probably Damaging"; Align-GVGD: "Class C0"). In summary, the available evidence is currently insufficient to determine the role of this variant in disease. Therefore, it has been classified as a Variant of Uncertain Significance.